The following is an entry in ClinVar:

NM_001267550.2(TTN):c.104769A>C (p.Thr34923=)

Genes: TTN (titin; minus strand), TTN-AS1 (TTN antisense RNA 1; plus strand). Cytogenetic location: 2q31.2.
Variant type: single nucleotide variant.
Coding change: c.104769A>C on transcript NM_001267550.2 (MANE Select); coding-DNA position 104769, A replaced by C.
Protein change: p.Thr34923=; no amino-acid change (threonine 34923 retained).
Molecular consequence: synonymous variant.
Genome position (GRCh38, 1-based): chr2:178,531,846, T>G on the plus strand (A>C on the coding strand, the complement: TTN is on the minus strand). VCF-style: chr2-178531846-T-G. GRCh37 (hg19) VCF-style: chr2-179396573-T-G.
Other names: p.T32355T:ACA>ACC; p.Thr32355=; c.99846A>C, p.Thr33282= (NM_001256850.1); c.97065A>C, p.Thr32355= (NM_133378.4); c.77574A>C, p.Thr25858= (NM_003319.4); c.77949A>C, p.Thr25983= (NM_133432.3); c.78150A>C, p.Thr26050= (NM_133437.4); c.104769A>C (NM_001267550.1).
Identifiers: ClinVar variation 47677 (VCV000047677.79), dbSNP rs56375087, ClinGen allele CA284296.

ClinVar aggregate classification (germline): Conflicting classifications of pathogenicity. Review status: criteria provided, conflicting classifications (1 of 4 stars). 24 submissions from 20 submitters: Uncertain significance (1); Benign (14); Likely benign (4). 5 of the submissions do not count toward it. Last evaluated 2026-09-01.

Conditions:
Cardiovascular phenotype. Identifiers: MedGen CN230736.
Autosomal recessive limb-girdle muscular dystrophy type 2J (LGMDR10). Also called: MUSCULAR DYSTROPHY, LIMB-GIRDLE, AUTOSOMAL RECESSIVE 10; Limb-girdle muscular dystrophy, type 2J. Identifiers: Orphanet 140922, MedGen C1837342, MONDO:0012127, OMIM 608807.
Dilated cardiomyopathy 1G (CMD1G). Identifiers: Orphanet 154, MedGen C1858763, MONDO:0011400, OMIM 604145.
Cardiomyopathy (CMYO). Also called: Cardiomyopathies. Identifiers: Orphanet 167848, MedGen C0878544, MONDO:0004994, HP:0001638. Inheritance: Various modes of inheritance.
Early-onset myopathy with fatal cardiomyopathy (CMYO5). Also called: CONGENITAL MYOPATHY 5 WITH CARDIOMYOPATHY; Salih Myopathy. Identifiers: Orphanet 289377, MedGen C2673677, MONDO:0012714, OMIM 611705. Disease mechanism: loss of function.
Myopathy, myofibrillar, 9, with early respiratory failure (MFM9). Also called: Myopathy, distal, with early respiratory failure, autosomal dominant; Hereditary myopathy with early respiratory failure; EDSTROM MYOPATHY; MYOPATHY, PROXIMAL, WITH EARLY RESPIRATORY MUSCLE INVOLVEMENT. Identifiers: Orphanet 178464, Orphanet 34521, MedGen C1863599, MONDO:0011362, OMIM 603689.
Tibial muscular dystrophy (TMD). Also called: Tibial muscular dystrophy, tardive; Udd Distal Myopathy – Tibial Muscular Dystrophy; UDD MYOPATHY. Identifiers: Orphanet 609, MedGen C1838244, MONDO:0010870, OMIM 600334.

Allele frequency attached by ClinVar (database versions not stated): gnomAD 0.01024 and 0.01075; 1000 Genomes Project 30x 0.00344; 1000 Genomes Project 0.00379; ESP Exome Variant Server 0.00478; ExAC 0.01002; TOPMed 0.00416; gnomAD exomes 0.00800 and 0.01049.
gnomAD v4.1: 13,241 of 1,613,842 alleles (0.82%); highest among the groups gnomAD compares: Non-Finnish European, 0.69%; 204 homozygotes.

Submissions (24):

CeGaT Center for Human Genetics Tuebingen
Classification: Likely benign. Last evaluated: 2026-09-01. Review status: criteria provided, single submitter. Criteria: CeGaT Center For Human Genetics Tuebingen Variant Classification Criteria Version 2. Collection method: clinical testing. Allele origin: germline. Affected: yes. Observed: 90 variant alleles.
Comment: TTN: BP4, BP7, BS2

Labcorp Genetics (formerly Invitae), Labcorp
Classification: Benign for Dilated cardiomyopathy 1G; Autosomal recessive limb-girdle muscular dystrophy type 2J. Last evaluated: 2026-02-04. Review status: criteria provided, single submitter. Criteria: Invitae Variant Classification Sherloc (09022015). Collection method: clinical testing. Allele origin: germline.

ARUP Laboratories, Molecular Genetics and Genomics, ARUP Laboratories
Classification: Benign. Last evaluated: 2025-04-14. Review status: criteria provided, single submitter. Criteria: ARUP Molecular Germline Variant Investigation Process 2024. Collection method: clinical testing. Allele origin: germline.

Molecular Diagnostic Laboratory for Inherited Cardiovascular Disease, Montreal Heart Institute
Classification: Benign. Last evaluated: 2025-04-09. Review status: criteria provided, single submitter. Criteria: ACMG Guidelines, 2015. Collection method: clinical testing. Allele origin: germline. Affected: no.

Blueprint Genetics
Classification: Likely benign. Last evaluated: 2024-11-26. Review status: criteria provided, single submitter. Criteria: ACMG Guidelines, 2015. Collection method: clinical testing. Allele origin: germline.

Mayo Clinic Laboratories, Mayo Clinic
Classification: Benign. Last evaluated: 2024-02-28. Review status: criteria provided, single submitter. Criteria: ACMG Guidelines, 2015. Collection method: clinical testing. Allele origin: germline. Observed: 24 variant alleles.

Athena Diagnostics
Classification: Benign. Last evaluated: 2023-12-08. Review status: criteria provided, single submitter. Criteria: Athena Diagnostics Criteria. Collection method: clinical testing. Allele origin: unknown.

Women's Health and Genetics/Laboratory Corporation of America, LabCorp
Classification: Benign. Last evaluated: 2019-10-30. Review status: criteria provided, single submitter. Criteria: LabCorp Variant Classification Summary - May 2015. Collection method: clinical testing. Allele origin: germline.
Comment: Variant summary: TTN c.97065A>C alters a non-conserved nucleotide resulting in a synonymous change. 5/5 computational tools predict no significant impact on normal splicing. However, these predictions have yet to be confirmed by functional studies. The variant allele was found at a frequency of 0.01 in 248540 control chromosomes in the gnomAD database, including 63 homozygotes. The observed variant frequency is approximately 17 fold the estimated maximal expected allele frequency for a pathogenic variant in TTN causing Cardiomyopathy phenotype (0.01 vs. 0.00063), strongly suggesting that the variant is benign. To our knowledge, there are no reports of c.97065A>C in individuals affected with cardiomyopathy in the literature, and no experimental evidence demonstrating an impact on protein function has been reported. Three clinical diagnostic laboratories have submitted clinical-significance assessments for this variant to ClinVar after 2014 without evidence for independent evaluation. All laboratories cited the variant as benign/likely benign. Based on the evidence outlined above, the variant was classified as benign.

Illumina Laboratory Services, Illumina
Classification: Uncertain significance for Autosomal recessive limb-girdle muscular dystrophy type 2J. Last evaluated: 2018-01-12. Review status: criteria provided, single submitter. Criteria: ICSL Variant Classification Criteria 13 December 2019. Collection method: clinical testing. Allele origin: germline.

Illumina Laboratory Services, Illumina
Classification: Benign for Tibial muscular dystrophy. Last evaluated: 2018-01-12. Review status: criteria provided, single submitter. Criteria: ICSL Variant Classification Criteria 13 December 2019. Collection method: clinical testing. Allele origin: germline.
Comment: This variant was observed in the ICSL laboratory as part of a predisposition screen in an ostensibly healthy population. It had not been previously curated by ICSL or reported in the Human Gene Mutation Database (HGMD: prior to June 1st, 2018), and was therefore a candidate for classification through an automated scoring system. Utilizing variant allele frequency, disease prevalence and penetrance estimates, and inheritance mode, an automated score was calculated to assess if this variant is too frequent to cause the disease. Based on the score and internal cut-off values, a variant classified as benign is not then subjected to further curation. The score for this variant resulted in a classification of benign for this disease.

Illumina Laboratory Services, Illumina
Classification: Benign for Myopathy, myofibrillar, 9, with early respiratory failure. Last evaluated: 2018-01-12. Review status: criteria provided, single submitter. Criteria: ICSL Variant Classification Criteria 13 December 2019. Collection method: clinical testing. Allele origin: germline.
Comment: the same text as in the submission from Illumina Laboratory Services, Illumina above.

Illumina Laboratory Services, Illumina
Classification: Likely benign for Early-onset myopathy with fatal cardiomyopathy. Last evaluated: 2018-01-12. Review status: criteria provided, single submitter. Criteria: ICSL Variant Classification Criteria 13 December 2019. Collection method: clinical testing. Allele origin: germline.
Comment: This variant was observed in the ICSL laboratory as part of a predisposition screen in an ostensibly healthy population. It had not been previously curated by ICSL or reported in the Human Gene Mutation Database (HGMD: prior to June 1st, 2018), and was therefore a candidate for classification through an automated scoring system. Utilizing variant allele frequency, disease prevalence and penetrance estimates, and inheritance mode, an automated score was calculated to assess if this variant is too frequent to cause the disease. Based on the score and internal cut-off values, a variant classified as likely benign is not then subjected to further curation. The score for this variant resulted in a classification of likely benign for this disease.

Illumina Laboratory Services, Illumina
Classification: Likely benign for Dilated cardiomyopathy 1G. Last evaluated: 2018-01-12. Review status: criteria provided, single submitter. Criteria: ICSL Variant Classification Criteria 13 December 2019. Collection method: clinical testing. Allele origin: germline.
Comment: the same text as in the submission from Illumina Laboratory Services, Illumina above.

CHEO Genetics Diagnostic Laboratory, Children's Hospital of Eastern Ontario
Classification: Benign for Cardiomyopathy. Last evaluated: 2015-10-22. Review status: criteria provided, single submitter. Criteria: ACMG Guidelines, 2015. Collection method: clinical testing. Allele origin: germline. Study: Canadian Open Genetics Repository.

Eurofins Ntd Llc (ga)
Classification: Benign. Last evaluated: 2014-11-17. Review status: criteria provided, single submitter. Criteria: EGL Classification Definitions 2015. Collection method: clinical testing. Allele origin: germline. Observed: 3 variant alleles, 2 heterozygotes, 1 homozygote.

GeneDx
Classification: Benign. Last evaluated: 2013-11-01. Review status: criteria provided, single submitter. Criteria: GeneDx Variant Classification (06012015). Collection method: clinical testing. Allele origin: germline. Affected: yes.
Comment: This variant is considered likely benign or benign based on one or more of the following criteria: it is a conservative change, it occurs at a poorly conserved position in the protein, it is predicted to be benign by multiple in silico algorithms, and/or has population frequency not consistent with disease.

Ambry Genetics
Classification: Benign for Cardiovascular phenotype. Last evaluated: 2013-05-14. Review status: criteria provided, single submitter. Criteria: Ambry Autosomal Dominant and X-Linked criteria (10/2015). Collection method: clinical testing. Allele origin: germline. Observed: 1 variant allele.

Laboratory for Molecular Medicine, Mass General Brigham Personalized Medicine
Classification: Benign. Last evaluated: 2012-03-20. Review status: criteria provided, single submitter. Criteria: LMM Criteria. Collection method: clinical testing. Allele origin: germline. Observed: 23 variant alleles.
Comment: Thr32355Thr in exon 307 of TTN: This variant is not expected to have clinical si gnificance because it does not alter an amino acid residue, is not located withi n the splice consensus sequence and it has been identified in 0.7% (48/6678) of European American chromosomes from a broad population by the NHLBI Exome Sequenc ing Project (dbSNP rs56375087)

PreventionGenetics, part of Exact Sciences
Classification: Benign. Review status: criteria provided, single submitter. Criteria: ACMG Guidelines, 2015. Collection method: clinical testing. Allele origin: germline.

Clinical Genetics DNA and cytogenetics Diagnostics Lab, Erasmus MC, Erasmus Medical Center
Classification: Benign. Review status: no assertion criteria provided. Collection method: clinical testing. Allele origin: germline. Affected: yes. Study: VKGL Data-share Consensus. Not counted in ClinVar's aggregate classification.

Clinical Genetics, Academic Medical Center
Classification: Benign. Review status: no assertion criteria provided. Collection method: clinical testing. Allele origin: germline. Affected: yes. Study: VKGL Data-share Consensus. Not counted in ClinVar's aggregate classification.

Diagnostic Laboratory, Department of Genetics, University Medical Center Groningen
Classification: Likely benign. Review status: no assertion criteria provided. Collection method: clinical testing. Allele origin: germline. Affected: yes. Study: VKGL Data-share Consensus. Not counted in ClinVar's aggregate classification.

Joint Genome Diagnostic Labs from Nijmegen and Maastricht, Radboudumc and MUMC+
Classification: Benign. Review status: no assertion criteria provided. Collection method: clinical testing. Allele origin: germline. Affected: yes. Study: VKGL Data-share Consensus. Not counted in ClinVar's aggregate classification.

Laboratory of Diagnostic Genome Analysis, Leiden University Medical Center (LUMC)
Classification: Likely benign. Review status: no assertion criteria provided. Collection method: clinical testing. Allele origin: germline. Affected: yes. Study: VKGL Data-share Consensus. Not counted in ClinVar's aggregate classification.